The following is an entry in ClinVar:

NM_176787.5(PIGN):c.1117-1G>A

Gene: PIGN (phosphatidylinositol glycan anchor biosynthesis class N; minus strand). Cytogenetic location: 18q21.33.
Variant type: single nucleotide variant.
Coding change: c.1117-1G>A on transcript NM_176787.5 (MANE Select); the canonical splice acceptor site of the intron before coding-DNA position 1117, G replaced by A.
Molecular consequence: splice acceptor variant.
Genome position (GRCh38, 1-based): chr18:62,138,299, C>T on the plus strand (G>A on the coding strand, the complement: PIGN is on the minus strand). VCF-style: chr18-62138299-C-T. GRCh37 (hg19) VCF-style: chr18-59805532-T-T.
Other names: c.1117-1G>A (NM_001438905.1, NM_001438904.1, NM_001438910.1 and 2 more transcripts).
Identifiers: ClinVar variation 4886406 (VCV004886406.2).

ClinVar aggregate classification (germline): Likely pathogenic (1 of 4 stars; one submission).

Submission:

Dasa
Classification: Likely pathogenic. Last evaluated: 2026-03-18. Review status: criteria provided, single submitter. Criteria: DASA Assertion Criteria. Collection method: clinical testing. Allele origin: germline.
Comment: NM_176787.5(PIGN):c.1117-1G>A affects a canonical splice site and is predicted to disrupt normal RNA splicing. Loss of function is an established disease mechanism for PIGN-associated disorders. Also, this variant is rare in population databases. Based on the currently available evidence, this variant is classified as likely pathogenic.